The following is an entry in ClinVar:

ClinVar aggregate classification (germline): Uncertain significance (1 of 4 stars; one submission).

Conditions:
RASopathy. Also called: Noonan spectrum disorder; rasopathies. Identifiers: Orphanet 536391, MedGen C5555857, MONDO:0021060.

Submission:

Labcorp Genetics (formerly Invitae), Labcorp
Classification: Uncertain significance for RASopathy. Last evaluated: 2022-06-21. Review status: criteria provided, single submitter. Criteria: Invitae Variant Classification Sherloc (09022015). Collection method: clinical testing. Allele origin: germline.
Comment: In summary, the available evidence is currently insufficient to determine the role of this variant in disease. Therefore, it has been classified as a Variant of Uncertain Significance. Advanced modeling of protein sequence and biophysical properties (such as structural, functional, and spatial information, amino acid conservation, physicochemical variation, residue mobility, and thermodynamic stability) performed at Invitae indicates that this missense variant is expected to disrupt SOS1 protein function. This variant has not been reported in the literature in individuals affected with SOS1-related conditions. This variant is not present in population databases (gnomAD no frequency). This sequence change replaces glutamic acid, which is acidic and polar, with lysine, which is basic and polar, at codon 864 of the SOS1 protein (p.Glu864Lys).

NM_005633.4(SOS1):c.2590G>A (p.Glu864Lys)

Gene: SOS1 (SOS Ras/Rac guanine nucleotide exchange factor 1; minus strand). Cytogenetic location: 2p22.1.
Variant type: single nucleotide variant.
Coding change: c.2590G>A on transcript NM_005633.4 (MANE Select); coding-DNA position 2590, G replaced by A.
Protein change: p.Glu864Lys; replaces glutamic acid 864 with lysine.
Molecular consequence: missense variant.
Genome position (GRCh38, 1-based): chr2:39,007,114, C>T on the plus strand (G>A on the coding strand, the complement: SOS1 is on the minus strand). VCF-style: chr2-39007114-C-T. GRCh37 (hg19) VCF-style: chr2-39234255-C-T.
Other names: c.2569G>A, p.Glu857Lys (NM_001382394.1); c.2590G>A, p.Glu864Lys (NM_001382395.1); short protein forms E857K, E864K.
Identifiers: ClinVar variation 2413595 (VCV002413595.6), dbSNP rs778194173, ClinGen allele CA346363500.